The following is an entry in ClinVar:

ClinVar aggregate classification (germline): Uncertain significance (1 of 4 stars; one submission).

Conditions:
Weaver syndrome (WVS). Also called: Weaver Smith syndrome; Overgrowth syndrome with accelerated skeletal maturation, unusual facies, and camptodactyly. Identifiers: Orphanet 3447, MedGen C0265210, MONDO:0010193, OMIM 277590.

Submission:

Labcorp Genetics (formerly Invitae), Labcorp
Classification: Uncertain significance for Weaver syndrome. Last evaluated: 2020-01-13. Review status: criteria provided, single submitter. Criteria: Invitae Variant Classification Sherloc (09022015). Collection method: clinical testing. Allele origin: germline.
Comment: This variant has not been reported in the literature in individuals with EZH2-related conditions. This variant is not present in population databases (ExAC no frequency). This sequence change replaces aspartic acid with asparagine at codon 382 of the EZH2 protein (p.Asp382Asn). The aspartic acid residue is moderately conserved and there is a small physicochemical difference between aspartic acid and asparagine. In summary, the available evidence is currently insufficient to determine the role of this variant in disease. Therefore, it has been classified as a Variant of Uncertain Significance. Algorithms developed to predict the effect of missense changes on protein structure and function (SIFT, PolyPhen-2, Align-GVGD) all suggest that this variant is likely to be tolerated, but these predictions have not been confirmed by published functional studies and their clinical significance is uncertain.

NM_004456.5(EZH2):c.1144G>A (p.Asp382Asn)

Gene: EZH2 (enhancer of zeste 2 polycomb repressive complex 2 subunit; minus strand). Cytogenetic location: 7q36.1.
Variant type: single nucleotide variant.
Coding change: c.1144G>A on transcript NM_004456.5 (MANE Select); coding-DNA position 1144, G replaced by A.
Protein change: p.Asp382Asn; replaces aspartic acid 382 with asparagine.
Molecular consequence: missense variant.
Genome position (GRCh38, 1-based): chr7:148,817,973, C>T on the plus strand (G>A on the coding strand, the complement: EZH2 is on the minus strand). VCF-style: chr7-148817973-C-T. GRCh37 (hg19) VCF-style: chr7-148515065-C-T.
Other names: c.1129G>A, p.Asp377Asn (NM_001203247.2); c.1102G>A, p.Asp368Asn (NM_001203248.2, NM_001203249.2); c.1012G>A, p.Asp338Asn (NM_152998.3); short protein forms D338N, D368N, D377N, D382N.
Identifiers: ClinVar variation 1015406 (VCV001015406.9), dbSNP rs1805036322, ClinGen allele CA369716372.
Genomic context (GRCh38, chr7:148,817,973, plus strand): 5'-CTTCTTTATCATTGTTCTCTCCCCCCGTTTCAGTCCCTGCTTCCCTATCACTGTCTGTAT[C>T]CTTTGATTCCAGCACATTAATGGTGGGGGTGCTGGGCCTGCTACTGTTATTGGGAAGCCG-3'
Protein context (NP_004447.2, residues 372-392): TPTINVLESK[Asp382Asn]TDSDREAGTE